The following is an entry in ClinVar:

ClinVar aggregate classification (germline): Likely benign. Review status: criteria provided, multiple submitters, no conflicts (2 of 4 stars). 2 submissions from 2 submitters: Likely benign (2). Last evaluated 2026-01-01.

Conditions:
Inborn genetic diseases. Identifiers: MedGen C0950123, MeSH D030342.

Allele frequency attached by ClinVar (database versions not stated): gnomAD 0.00004; gnomAD exomes 0.00012.
gnomAD v4.1: 179 of 1,613,994 alleles (0.011%); highest among the groups gnomAD compares: Non-Finnish European, 0.015%; no homozygotes.

Submissions (2):

CeGaT Center for Human Genetics Tuebingen
Classification: Likely benign. Last evaluated: 2026-01-01. Review status: criteria provided, single submitter. Criteria: CeGaT Center For Human Genetics Tuebingen Variant Classification Criteria Version 2. Collection method: clinical testing. Allele origin: germline. Affected: yes. Observed: 1 variant allele.
Comment: WDR37: BP4

Ambry Genetics
Classification: Likely benign for Inborn genetic diseases. Last evaluated: 2024-01-17. Review status: criteria provided, single submitter. Criteria: Ambry Variant Classification Scheme 2023. Collection method: clinical testing. Allele origin: germline.

NM_014023.4(WDR37):c.872T>C (p.Val291Ala)

Gene: WDR37 (WD repeat domain 37; plus strand). Cytogenetic location: 10p15.3.
Variant type: single nucleotide variant.
Coding change: c.872T>C on transcript NM_014023.4 (MANE Select); coding-DNA position 872, T replaced by C.
Protein change: p.Val291Ala; replaces valine 291 with alanine.
Molecular consequence: missense variant.
Genome position (GRCh38, 1-based): chr10:1,103,747, T>C. VCF-style: chr10-1103747-T-C. GRCh37 (hg19) VCF-style: chr10-1149687-T-C.
Other names: short protein forms V291A.
Identifiers: ClinVar variation 3190013 (VCV003190013.5), dbSNP rs778168526, ClinGen allele CA5384164.